The following is an entry in ClinVar:

ClinVar aggregate classification (germline): Likely pathogenic (1 of 4 stars; one submission).

Conditions:
Cholestanol storage disease (CTX). Also called: CEREBRAL CHOLESTERINOSIS; Cerebrotendinous Xanthomatosis; CTX: Cerebrotendinous xanthomatosis. Identifiers: Orphanet 909, MedGen C0238052, MONDO:0008948, OMIM 213700.

Submission:

Myriad Genetics, Inc.
Classification: Likely pathogenic for Cholestanol storage disease. Last evaluated: 2019-12-04. Review status: criteria provided, single submitter. Criteria: Myriad Women's Health Autosomal Recessive and X-Linked Classification Criteria (2019). Collection method: clinical testing. Allele origin: unknown.
Comment: NM_000784.3(CYP27A1):c.657C>A(Y219*) is expected to be pathogenic in the context of cerebrotendinous xanthomatosis. This variant is predicted to lead to an abnormal or absent protein product due to the creation of a premature termination codon in CYP27A1, a gene where loss-of-function variants are known to be pathogenic. Please note: this variant was assessed in the context of healthy population screening.

NM_000784.4(CYP27A1):c.657C>A (p.Tyr219Ter)

Gene: CYP27A1 (cytochrome P450 family 27 subfamily A member 1; plus strand). Cytogenetic location: 2q35.
Variant type: single nucleotide variant.
Coding change: c.657C>A on transcript NM_000784.4 (MANE Select); coding-DNA position 657, C replaced by A.
Protein change: p.Tyr219Ter; replaces tyrosine 219 with a stop codon.
Molecular consequence: nonsense.
Genome position (GRCh38, 1-based): chr2:218,812,562, C>A. VCF-style: chr2-218812562-C-A. GRCh37 (hg19) VCF-style: chr2-219677285-C-A.
Other names: short protein forms Y219*.
Identifiers: ClinVar variation 984202 (VCV000984202.3), dbSNP rs1414259537, ClinGen allele CA350585888.